The following is an entry in ClinVar:

NM_000038.6(APC):c.7951G>A (p.Val2651Ile)

Gene: APC (APC regulator of Wnt signaling pathway; plus strand). Cytogenetic location: 5q22.2.
Variant type: single nucleotide variant.
Coding change: c.7951G>A on transcript NM_000038.6 (MANE Select); coding-DNA position 7951, G replaced by A.
Protein change: p.Val2651Ile; replaces valine 2651 with isoleucine.
Molecular consequence: missense variant. On other transcripts: non-coding transcript variant (2).
Genome position (GRCh38, 1-based): chr5:112,843,545, G>A. VCF-style: chr5-112843545-G-A. GRCh37 (hg19) VCF-style: chr5-112179242-G-A.
Other names: c.7951G>A, p.Val2651Ile (NM_001127510.3, NM_001354895.2, NM_001407450.1); c.7897G>A, p.Val2633Ile (NM_001127511.3); c.8005G>A, p.Val2669Ile (NM_001354896.2, NM_001407447.1, NM_001407448.1 and 1 more transcripts); c.7981G>A, p.Val2661Ile (NM_001354897.2); c.7876G>A, p.Val2626Ile (NM_001354898.2); c.7867G>A, p.Val2623Ile (NM_001354899.2); c.7828G>A, p.Val2610Ile (NM_001354900.2); c.7774G>A, p.Val2592Ile (NM_001354901.2, NM_001407453.1); and 12 more; short protein forms V2267I, V2368I, V2491I, V2522I, V2525I, V2550I, V2560I, V2568I.
Identifiers: ClinVar variation 3069477 (VCV003069477.3), dbSNP rs1561619590, ClinGen allele CA16038596.

ClinVar aggregate classification (germline): Uncertain significance. Review status: criteria provided, multiple submitters, no conflicts (2 of 4 stars). 3 submissions from 3 submitters: Uncertain significance (3). Last evaluated 2026-01-27.

Conditions:
Classic or attenuated familial adenomatous polyposis. Identifiers: MedGen CN372698, MONDO:0021057.
Hereditary cancer-predisposing syndrome. Also called: Neoplastic Syndromes, Hereditary; Hereditary neoplastic syndrome; Tumor predisposition; Hereditary Cancer Syndrome. Identifiers: Orphanet 140162, MedGen C0027672, MeSH D009386, MONDO:0015356.
Familial adenomatous polyposis 1 (FAP1). Also called: FAMILIAL ADENOMATOUS POLYPOSIS 1, ATTENUATED; POLYPOSIS, ADENOMATOUS INTESTINAL. Identifiers: MedGen C2713442, MONDO:0021056, OMIM 175100. Disease mechanism: loss of function.

Submissions (3):

Labcorp Genetics (formerly Invitae), Labcorp
Classification: Uncertain significance for Familial adenomatous polyposis 1. Last evaluated: 2026-01-27. Review status: criteria provided, single submitter. Criteria: Invitae Variant Classification Sherloc (09022015). Collection method: clinical testing. Allele origin: germline.
Comment: This sequence change replaces valine, which is neutral and non-polar, with isoleucine, which is neutral and non-polar, at codon 2651 of the APC protein (p.Val2651Ile). This variant is not present in population databases (gnomAD no frequency). This variant has not been reported in the literature in individuals affected with APC-related conditions. ClinVar contains an entry for this variant (Variation ID: 3069477). Invitae Evidence Modeling of protein sequence and biophysical properties (such as structural, functional, and spatial information, amino acid conservation, physicochemical variation, residue mobility, and thermodynamic stability) indicates that this missense variant is not expected to disrupt APC protein function with a negative predictive value of 95%. In summary, the available evidence is currently insufficient to determine the role of this variant in disease. Therefore, it has been classified as a Variant of Uncertain Significance.

Ambry Genetics
Classification: Uncertain significance for Hereditary cancer-predisposing syndrome. Last evaluated: 2025-07-19. Review status: criteria provided, single submitter. Criteria: Ambry Variant Classification Scheme 2023. Collection method: clinical testing. Allele origin: germline.
Comment: The p.V2651I variant (also known as c.7951G>A), located in coding exon 15 of the APC gene, results from a G to A substitution at nucleotide position 7951. The valine at codon 2651 is replaced by isoleucine, an amino acid with highly similar properties. This amino acid position is conserved. In addition, in silico predictors for this gene do not accurately predict pathogenicity. Based on the available evidence, the clinical significance of this variant remains unclear.

All of Us Research Program, National Institutes of Health
Classification: Uncertain significance for Classic or attenuated familial adenomatous polyposis. Last evaluated: 2023-02-24. Review status: criteria provided, single submitter. Criteria: ACMG Guidelines, 2015. Collection method: clinical testing. Allele origin: germline. Inheritance: Autosomal dominant inheritance. Observed: 1 variant allele, 1 heterozygote.
Comment: This missense variant replaces valine with isoleucine at codon 2651 of the APC protein. Computational prediction suggests that this variant may not impact protein structure and function (internally defined REVEL score threshold <= 0.5, PMID: 27666373). To our knowledge, functional studies have not been reported for this variant. This variant has not been reported in individuals affected with APC-related disorders in the literature. This variant has not been identified in the general population by the Genome Aggregation Database (gnomAD). The available evidence is insufficient to determine the role of this variant in disease conclusively. Therefore, this variant is classified as a Variant of Uncertain Significance.

This study involves interpretation of variants in research participants for the purpose of population health screening. Participant phenotype was not available at the time of variant classification. Additional details can be found in publication PMID: 35346344, PMCID: PMC8962531